The following is an entry in ClinVar:

ClinVar aggregate classification (germline): Uncertain significance. Review status: criteria provided, multiple submitters, no conflicts (2 of 4 stars). 2 submissions from 2 submitters: Uncertain significance (2). Last evaluated 2025-03-14.

Conditions:
Emery-Dreifuss muscular dystrophy (EDMD). Also called: Scapuloperoneal syndrome, X-linked (formerly); Humeroperoneal neuromuscular disease, (formerly). Identifiers: Orphanet 261, MedGen C0410189, MONDO:0016830.

gnomAD v4.1: 10 of 1,610,594 alleles (0.00062%); highest among the groups gnomAD compares: Non-Finnish European, 0.00068%; no homozygotes.

Submissions (2):

Labcorp Genetics (formerly Invitae), Labcorp
Classification: Uncertain significance for Emery-Dreifuss muscular dystrophy. Last evaluated: 2025-03-14. Review status: criteria provided, single submitter. Criteria: Invitae Variant Classification Sherloc (09022015). Collection method: clinical testing. Allele origin: germline.
Comment: This sequence change replaces alanine, which is neutral and non-polar, with threonine, which is neutral and polar, at codon 236 of the SUN1 protein (p.Ala236Thr). This variant is not present in population databases (gnomAD no frequency). This variant has not been reported in the literature in individuals affected with SUN1-related conditions. ClinVar contains an entry for this variant (Variation ID: 3451309). An algorithm developed to predict the effect of missense changes on protein structure and function (PolyPhen-2) suggests that this variant is likely to be tolerated. In summary, the available evidence is currently insufficient to determine the role of this variant in disease. Therefore, it has been classified as a Variant of Uncertain Significance.

Ambry Genetics
Classification: Uncertain significance. Last evaluated: 2024-08-28. Review status: criteria provided, single submitter. Criteria: Ambry Variant Classification Scheme 2023. Collection method: clinical testing. Allele origin: germline.

NM_001130965.3(SUN1):c.706G>A (p.Ala236Thr)

Gene: SUN1 (Sad1 and UNC84 domain containing 1; plus strand). Cytogenetic location: 7p22.3.
Variant type: single nucleotide variant.
Coding change: c.706G>A on transcript NM_001130965.3 (MANE Select); coding-DNA position 706, G replaced by A.
Protein change: p.Ala236Thr; replaces alanine 236 with threonine.
Molecular consequence: missense variant. On other transcripts: non-coding transcript variant (3), intron variant (12), synonymous variant (1).
Genome position (GRCh38, 1-based): chr7:851,431, G>A. VCF-style: chr7-851431-G-A. GRCh37 (hg19) VCF-style: chr7-891068-G-A.
Other names: c.1120G>A, p.Ala374Thr (NM_001367651.1); c.706G>A, p.Ala236Thr (NM_001367653.1, NM_001367665.1, NM_001367672.1 and 3 more transcripts); c.949G>A, p.Ala317Thr (NM_001367655.1, NM_001367666.1, NM_001367636.1 and 1 more transcripts); c.56G>A, p.Gly19Asp (NM_001367658.1); c.556G>A, p.Ala186Thr (NM_001367660.1, NM_001367662.1, NM_001367670.1 and 1 more transcripts); c.817G>A, p.Ala273Thr (NM_001367664.1, NM_001367685.1, NM_001367638.1 and 1 more transcripts); c.667G>A, p.Ala223Thr (NM_001367667.1, NM_001367679.1, NM_001367689.1 and 1 more transcripts); c.640G>A, p.Ala214Thr (NM_001367680.1, NM_001367701.1, NM_001367644.1); and 24 more; short protein forms A236T, A245T, A251T, A280T, A301T, A317T, A339T, A47T.
Identifiers: ClinVar variation 3451309 (VCV003451309.2).
Genomic context (GRCh38, chr7:851,431, plus strand): 5'-CTTCCCTGCACAGGTTACTTCTTGCTGCAGATTCTGCGCAGGATCGGAGCTGTGGGCCAG[G>A]CTGTGTCCAGGACGGCGTGGTCGGCCCTTTGGCTGGCCGTGGTTGCTCCAGGTGGCTATT-3'
Protein context (NP_001124437.1, residues 226-246): ILRRIGAVGQ[Ala236Thr]VSRTAWSALW